The following is an entry in ClinVar:

NM_144596.4(TTC8):c.5G>T (p.Ser2Ile)

Gene: TTC8 (tetratricopeptide repeat domain 8; plus strand). Cytogenetic location: 14q31.3.
Variant type: single nucleotide variant.
Coding change: c.5G>T on transcript NM_144596.4 (MANE Select); coding-DNA position 5, G replaced by T.
Protein change: p.Ser2Ile; replaces serine 2 with isoleucine.
Molecular consequence: missense variant. On other transcripts: 5 prime UTR variant (2), non-coding transcript variant (1).
Genome position (GRCh38, 1-based): chr14:88,824,712, G>T. VCF-style: chr14-88824712-G-T. GRCh37 (hg19) VCF-style: chr14-89291056-G-T.
Other names: c.5G>T, p.Ser2Ile (NM_001288781.1, NM_001366535.2, NM_001366536.2 and 2 more transcripts); c.-558G>T (NM_001288782.1); c.-653G>T (NM_001288783.1); short protein forms S2I.
Identifiers: ClinVar variation 2420505 (VCV002420505.3), dbSNP rs199571677, ClinGen allele CA390567518.

ClinVar aggregate classification (germline): Uncertain significance (1 of 4 stars; one submission).

Conditions:
Bardet-Biedl syndrome (BBS). Identifiers: Orphanet 110, MedGen C0752166, MONDO:0015229.

Allele frequency attached by ClinVar (database versions not stated): TOPMed below 0.00001.

Submission:

Labcorp Genetics (formerly Invitae), Labcorp
Classification: Uncertain significance for Bardet-Biedl syndrome. Last evaluated: 2022-01-27. Review status: criteria provided, single submitter. Criteria: Invitae Variant Classification Sherloc (09022015). Collection method: clinical testing. Allele origin: germline.
Comment: This sequence change replaces serine, which is neutral and polar, with isoleucine, which is neutral and non-polar, at codon 2 of the TTC8 protein (p.Ser2Ile). This variant is not present in population databases (gnomAD no frequency). This variant has not been reported in the literature in individuals affected with TTC8-related conditions. Algorithms developed to predict the effect of missense changes on protein structure and function (SIFT, PolyPhen-2, Align-GVGD) all suggest that this variant is likely to be tolerated. In summary, the available evidence is currently insufficient to determine the role of this variant in disease. Therefore, it has been classified as a Variant of Uncertain Significance.